The following is an entry in ClinVar:

NM_020831.6(MRTFA):c.1547G>A (p.Ser516Asn)

Gene: MRTFA (myocardin related transcription factor A; minus strand). Cytogenetic location: 22q13.1.
Variant type: single nucleotide variant.
Coding change: c.1547G>A on transcript NM_020831.6 (MANE Select); coding-DNA position 1547, G replaced by A.
Protein change: p.Ser516Asn; replaces serine 516 with asparagine.
Molecular consequence: missense variant.
Genome position (GRCh38, 1-based): chr22:40,419,191, C>T on the plus strand (G>A on the coding strand, the complement: MRTFA is on the minus strand). VCF-style: chr22-40419191-C-T. GRCh37 (hg19) VCF-style: chr22-40815195-C-T.
Other names: c.1247G>A, p.Ser416Asn (NM_001282660.2); c.1397G>A, p.Ser466Asn (NM_001282661.3); c.1547G>A, p.Ser516Asn (NM_001282662.3); c.1352G>A, p.Ser451Asn (NM_001318139.2); short protein forms S466N, S416N, S516N, S451N.
Identifiers: ClinVar variation 3658793 (VCV003658793.2).

ClinVar aggregate classification (germline): Uncertain significance (1 of 4 stars; one submission).

gnomAD v4.1: 2 of 1,589,342 alleles (0.00013%); highest among the groups gnomAD compares: Admixed American, 0.0018%; no homozygotes.

Submission:

Labcorp Genetics (formerly Invitae), Labcorp
Classification: Uncertain significance. Last evaluated: 2024-07-15. Review status: criteria provided, single submitter. Criteria: Invitae Variant Classification Sherloc (09022015). Collection method: clinical testing. Allele origin: germline.
Comment: This sequence change replaces serine, which is neutral and polar, with asparagine, which is neutral and polar, at codon 416 of the MKL1 protein (p.Ser416Asn). This variant is present in population databases (rs775308316, gnomAD 0.001%). This variant has not been reported in the literature in individuals affected with MKL1-related conditions. An algorithm developed to predict the effect of missense changes on protein structure and function (PolyPhen-2) suggests that this variant is likely to be tolerated. In summary, the available evidence is currently insufficient to determine the role of this variant in disease. Therefore, it has been classified as a Variant of Uncertain Significance.